The following is an entry in ClinVar:

NM_005477.3(HCN4):c.1731G>A (p.Leu577=)

Gene: HCN4 (hyperpolarization activated cyclic nucleotide gated potassium channel 4; minus strand). Cytogenetic location: 15q24.1.
Variant type: single nucleotide variant.
Coding change: c.1731G>A on transcript NM_005477.3 (MANE Select); coding-DNA position 1731, G replaced by A.
Protein change: p.Leu577=; no amino-acid change (leucine 577 retained).
Molecular consequence: synonymous variant.
Genome position (GRCh38, 1-based): chr15:73,325,304, C>T on the plus strand (G>A on the coding strand, the complement: HCN4 is on the minus strand). VCF-style: chr15-73325304-C-T. GRCh37 (hg19) VCF-style: chr15-73617645-C-T.
Other names: c.1731G>A (NM_005477.2).
Identifiers: ClinVar variation 2183743 (VCV002183743.6), dbSNP rs763154920, ClinGen allele CA7649216.

ClinVar aggregate classification (germline): Likely benign. Review status: criteria provided, multiple submitters, no conflicts (2 of 4 stars). 3 submissions from 3 submitters: Likely benign (3). Last evaluated 2026-03-27.

Conditions:
Cardiovascular phenotype. Identifiers: MedGen CN230736.
Brugada syndrome 8 (BRGDA8). Identifiers: Orphanet 130, MedGen C2751083, MONDO:0013148, OMIM 613123.

Allele frequency attached by ClinVar (database versions not stated): gnomAD exomes below 0.00001; TOPMed 0.00001; ExAC 0.00001.
gnomAD v4.1: 4 of 1,613,860 alleles (0.00025%); highest among the groups gnomAD compares: East Asian, 0.0045%; no homozygotes.

Submissions (3):

Molecular Diagnostic Laboratory for Inherited Cardiovascular Disease, Montreal Heart Institute
Classification: Likely benign. Last evaluated: 2026-03-27. Review status: criteria provided, single submitter. Criteria: ACMG Guidelines, 2015. Collection method: clinical testing. Allele origin: germline. Affected: no.
Comment: BP7

Labcorp Genetics (formerly Invitae), Labcorp
Classification: Likely benign for Brugada syndrome 8. Last evaluated: 2025-08-06. Review status: criteria provided, single submitter. Criteria: Invitae Variant Classification Sherloc (09022015). Collection method: clinical testing. Allele origin: germline.

Ambry Genetics
Classification: Likely benign for Cardiovascular phenotype. Last evaluated: 2024-07-29. Review status: criteria provided, single submitter. Criteria: Ambry Variant Classification Scheme 2023. Collection method: clinical testing. Allele origin: germline.